The following is an entry in ClinVar:

NM_001130987.2(DYSF):c.1968C>A (p.Ser656Arg)

Gene: DYSF (dysferlin; plus strand). Cytogenetic location: 2p13.2.
Variant type: single nucleotide variant.
Coding change: c.1968C>A on transcript NM_001130987.2 (MANE Select); coding-DNA position 1968, C replaced by A.
Protein change: p.Ser656Arg; replaces serine 656 with arginine.
Molecular consequence: missense variant.
Genome position (GRCh38, 1-based): chr2:71,553,172, C>A. VCF-style: chr2-71553172-C-A. GRCh37 (hg19) VCF-style: chr2-71780302-C-A.
Other names: c.1917C>A, p.Ser639Arg (NM_001130455.2, NM_001130983.2); c.1872C>A, p.Ser624Arg (NM_001130976.2, NM_001130977.2); c.1914C>A, p.Ser638Arg (NM_001130978.2, NM_003494.4); c.2007C>A, p.Ser669Arg (NM_001130979.2); c.1965C>A, p.Ser655Arg (NM_001130980.2, NM_001130981.2); c.2010C>A, p.Ser670Arg (NM_001130982.2); c.1875C>A, p.Ser625Arg (NM_001130986.2, NM_001130984.2); c.1968C>A, p.Ser656Arg (NM_001130985.2); short protein forms S669R, S655R, S639R, S656R, S670R, S624R, S625R, S638R.
Identifiers: ClinVar variation 945074 (VCV000945074.9), dbSNP rs2091078877, ClinGen allele CA347218744.
Genomic context (GRCh38, chr2:71,553,172, plus strand): 5'-GAACTACGGGAACAAGTTCGACATGACCTGCCTGCCGCTGGCCTCCACCACTCAGTACAG[C>A]CGTGCAGTCTTTGACGGTGAGGCAGTGCTCCTGGCTGGGACCCCGATCACAGGATCATAG-3'
Protein context (NP_001124459.1, residues 646-666): CLPLASTTQY[Ser656Arg]RAVFDGCHYY

ClinVar aggregate classification (germline): Uncertain significance (1 of 4 stars; one submission).

Conditions:
Neuromuscular disease caused by qualitative or quantitative defects of dysferlin. Also called: Dysferlinopathy; Qualitative or quantitative defects of dysferlin. Identifiers: Orphanet 207073, MedGen C2931687, MONDO:0016145.

gnomAD v4.1: 12 of 1,614,114 alleles (0.00074%); highest among the groups gnomAD compares: Non-Finnish European, 0.00093%; no homozygotes.

Submission:

Labcorp Genetics (formerly Invitae), Labcorp
Classification: Uncertain significance for Neuromuscular disease caused by qualitative or quantitative defects of dysferlin. Last evaluated: 2019-06-29. Review status: criteria provided, single submitter. Criteria: Invitae Variant Classification Sherloc (09022015). Collection method: clinical testing. Allele origin: germline.
Comment: In summary, the available evidence is currently insufficient to determine the role of this variant in disease. Therefore, it has been classified as a Variant of Uncertain Significance. Algorithms developed to predict the effect of missense changes on protein structure and function (SIFT, PolyPhen-2, Align-GVGD) all suggest that this variant is likely to be tolerated, but these predictions have not been confirmed by published functional studies and their clinical significance is uncertain. This variant has not been reported in the literature in individuals with DYSF-related conditions. This variant is not present in population databases (ExAC no frequency). This sequence change replaces serine with arginine at codon 638 of the DYSF protein (p.Ser638Arg). The serine residue is moderately conserved and there is a moderate physicochemical difference between serine and arginine.